The following is an entry in ClinVar:

ClinVar aggregate classification (germline): Uncertain significance (1 of 4 stars; one submission).

Conditions:
Wilms tumor 1 (WT1). Also called: Wilms tumor, somatic. Identifiers: Orphanet 654, MedGen CN033288, MONDO:0008679, OMIM 194070.

Submission:

Labcorp Genetics (formerly Invitae), Labcorp
Classification: Uncertain significance for Wilms tumor 1. Last evaluated: 2024-05-18. Review status: criteria provided, single submitter. Criteria: Invitae Variant Classification Sherloc (09022015). Collection method: clinical testing. Allele origin: germline.
Comment: This sequence change replaces histidine, which is basic and polar, with leucine, which is neutral and non-polar, at codon 351 of the GPC3 protein (p.His351Leu). This variant is not present in population databases (gnomAD no frequency). This variant has not been reported in the literature in individuals affected with GPC3-related conditions. Advanced modeling of protein sequence and biophysical properties (such as structural, functional, and spatial information, amino acid conservation, physicochemical variation, residue mobility, and thermodynamic stability) performed at Invitae indicates that this missense variant is not expected to disrupt GPC3 protein function with a negative predictive value of 80%. In summary, the available evidence is currently insufficient to determine the role of this variant in disease. Therefore, it has been classified as a Variant of Uncertain Significance.

NM_004484.4(GPC3):c.1052A>T (p.His351Leu)

Gene: GPC3 (glypican 3; minus strand). Cytogenetic location: Xq26.2.
Variant type: single nucleotide variant.
Coding change: c.1052A>T on transcript NM_004484.4 (MANE Select); coding-DNA position 1052, A replaced by T.
Protein change: p.His351Leu; replaces histidine 351 with leucine.
Molecular consequence: missense variant.
Genome position (GRCh38, 1-based): chrX:133,700,009, T>A on the plus strand (A>T on the coding strand, the complement: GPC3 is on the minus strand). VCF-style: chrX-133700009-T-A. GRCh37 (hg19) VCF-style: chrX-132834037-T-A.
Other names: c.1121A>T, p.His374Leu (NM_001164617.2); c.1004A>T, p.His335Leu (NM_001164618.2); c.890A>T, p.His297Leu (NM_001164619.2); short protein forms H351L, H335L, H374L, H297L.
Identifiers: ClinVar variation 3681477 (VCV003681477.2).